The following is an entry in ClinVar:

ClinVar aggregate classification (germline): Uncertain significance. Review status: criteria provided, multiple submitters, no conflicts (2 of 4 stars). 3 submissions from 3 submitters: Uncertain significance (3). Last evaluated 2026-05-08.

Conditions:
MORC2-related disorder. Also called: MORC2-related condition.
Charcot-Marie-Tooth disease axonal type 2Z. Also called: CHARCOT-MARIE-TOOTH DISEASE, AXONAL, AUTOSOMAL DOMINANT, TYPE 2Z; CHARCOT-MARIE-TOOTH NEUROPATHY, TYPE 2Z. Identifiers: Orphanet 466768, MedGen C5569025, MONDO:0014736, OMIM 616688.

Allele frequency attached by ClinVar (database versions not stated): gnomAD 0.00003; TOPMed 0.00004; gnomAD exomes 0.00005; ExAC 0.00006.
gnomAD v4.1: 30 of 1,613,816 alleles (0.0019%); highest among the groups gnomAD compares: South Asian, 0.0077%; no homozygotes.

Submissions (3):

PreventionGenetics, part of Exact Sciences
Classification: Uncertain significance for MORC2-related condition. Last evaluated: 2026-05-08. Review status: criteria provided, single submitter. Criteria: ACMG Guidelines, 2015. Collection method: clinical testing. Allele origin: germline.
Comment: The MORC2 c.2192C>T variant is predicted to result in the amino acid substitution p.Pro731Leu. To our knowledge, this variant has not been reported in the literature. This variant is reported in 0.0098% of alleles in individuals of South Asian descent in gnomAD. At this time, the clinical significance of this variant is uncertain due to the absence of conclusive functional and genetic evidence.

Labcorp Genetics (formerly Invitae), Labcorp
Classification: Uncertain significance for Charcot-Marie-Tooth disease axonal type 2Z. Last evaluated: 2025-07-31. Review status: criteria provided, single submitter. Criteria: Invitae Variant Classification Sherloc (09022015). Collection method: clinical testing. Allele origin: germline.
Comment: This sequence change replaces proline, which is neutral and non-polar, with leucine, which is neutral and non-polar, at codon 731 of the MORC2 protein (p.Pro731Leu). This variant is present in population databases (rs760522350, gnomAD 0.01%). This variant has not been reported in the literature in individuals affected with MORC2-related conditions. ClinVar contains an entry for this variant (Variation ID: 546915). Experimental studies and prediction algorithms are not available or were not evaluated, and the functional significance of this variant is currently unknown. In summary, the available evidence is currently insufficient to determine the role of this variant in disease. Therefore, it has been classified as a Variant of Uncertain Significance.

CeGaT Center for Human Genetics Tuebingen
Classification: Uncertain significance. Last evaluated: 2022-08-01. Review status: criteria provided, single submitter. Criteria: CeGaT Center For Human Genetics Tuebingen Variant Classification Criteria Version 2. Collection method: clinical testing. Allele origin: germline. Affected: yes. Observed: 2 variant alleles.
Comment: MORC2: PP2, BP4

NM_001303256.3(MORC2):c.2192C>T (p.Pro731Leu)

Gene: MORC2 (MORC family CW-type zinc finger 2; minus strand). Cytogenetic location: 22q12.2.
Variant type: single nucleotide variant.
Coding change: c.2192C>T on transcript NM_001303256.3 (MANE Select); coding-DNA position 2192, C replaced by T.
Protein change: p.Pro731Leu; replaces proline 731 with leucine.
Molecular consequence: missense variant.
Genome position (GRCh38, 1-based): chr22:30,934,782, G>A on the plus strand (C>T on the coding strand, the complement: MORC2 is on the minus strand). VCF-style: chr22-30934782-G-A. GRCh37 (hg19) VCF-style: chr22-31330769-G-A.
Other names: c.2192C>T, p.Pro731Leu (NM_001303257.2); c.2006C>T, p.Pro669Leu (NM_014941.3); short protein forms P731L, P669L.
Identifiers: ClinVar variation 546915 (VCV000546915.51), dbSNP rs760522350, ClinGen allele CA10186755.